The following is an entry in ClinVar:

ClinVar aggregate classification (germline): Uncertain significance (1 of 4 stars; one submission).

Conditions:
Neurofibromatosis, type 1 (NF1). Also called: VON RECKLINGHAUSEN DISEASE; Neurofibromatosis, type I; NEUROFIBROMATOSIS, TYPE I, SOMATIC; Peripheral type neurofibromatosis. Identifiers: Orphanet 636, MedGen C0027831, MONDO:0018975, OMIM 162200. Disease mechanism: loss of function.

Submission:

Labcorp Genetics (formerly Invitae), Labcorp
Classification: Uncertain significance for Neurofibromatosis, type 1. Last evaluated: 2025-12-03. Review status: criteria provided, single submitter. Criteria: Invitae Variant Classification Sherloc (09022015). Collection method: clinical testing. Allele origin: germline.
Comment: This sequence change replaces methionine, which is neutral and non-polar, with arginine, which is basic and polar, at codon 1096 of the NF1 protein (p.Met1096Arg). This variant is not present in population databases (gnomAD no frequency). This variant has not been reported in the literature in individuals affected with NF1-related conditions. Invitae Evidence Modeling of protein sequence and biophysical properties (such as structural, functional, and spatial information, amino acid conservation, physicochemical variation, residue mobility, and thermodynamic stability) indicates that this missense variant is expected to disrupt NF1 protein function with a positive predictive value of 95%. In summary, the available evidence is currently insufficient to determine the role of this variant in disease. Therefore, it has been classified as a Variant of Uncertain Significance.

NM_001042492.3(NF1):c.3287T>G (p.Met1096Arg)

Gene: NF1 (neurofibromin 1; plus strand). Cytogenetic location: 17q11.2.
Variant type: single nucleotide variant.
Coding change: c.3287T>G on transcript NM_001042492.3 (MANE Select); coding-DNA position 3287, T replaced by G.
Protein change: p.Met1096Arg; replaces methionine 1096 with arginine.
Molecular consequence: missense variant.
Genome position (GRCh38, 1-based): chr17:31,232,162, T>G. VCF-style: chr17-31232162-T-G. GRCh37 (hg19) VCF-style: chr17-29559180-T-G.
Other names: c.3287T>G, p.Met1096Arg (NM_000267.4); short protein forms M1096R.
Identifiers: ClinVar variation 4800746 (VCV004800746.1).